The following is an entry in ClinVar:

NM_001114753.3(ENG):c.1408G>C (p.Gly470Arg)

Genes: ENG (endoglin; minus strand), LOC102723566 (uncharacterized LOC102723566; plus strand). Cytogenetic location: 9q34.11.
Variant type: single nucleotide variant.
Coding change: c.1408G>C on transcript NM_001114753.3 (MANE Select); coding-DNA position 1408, G replaced by C.
Protein change: p.Gly470Arg; replaces glycine 470 with arginine.
Molecular consequence: missense variant.
Genome position (GRCh38, 1-based): chr9:127,818,736, C>G on the plus strand (G>C on the coding strand, the complement: ENG is on the minus strand). VCF-style: chr9-127818736-C-G. GRCh37 (hg19) VCF-style: chr9-130581015-C-G.
Other names: c.1408G>C, p.Gly470Arg (NM_000118.4); c.862G>C, p.Gly288Arg (NM_001278138.2); short protein forms G470R, G288R.
Identifiers: ClinVar variation 528055 (VCV000528055.10), dbSNP rs756263325, ClinGen allele CA5252786.
Genomic context (GRCh38, chr9:127,818,736, plus strand): 5'-GGAGCTGGGAGGCCCGAGGGGTGACAGGCATGCCAGGTACCTGCACAAAGCTCTGCTGCC[C>G]CGGCTCGATGGTGTTGGAGGCCTGGAGGAAGTGTGGGCTGAGGTAGAGGCCCAGCTGGAA-3'
Protein context (NP_001108225.1, residues 460-480): FLQASNTIEP[Gly470Arg]QQSFVQVRVS

ClinVar aggregate classification (germline): Uncertain significance (1 of 4 stars; one submission).

Conditions:
Hereditary hemorrhagic telangiectasia (HHT). Also called: Osler hemorrhagic telangiectasia syndrome; ORW DISEASE; Osler Weber Rendu syndrome; OSLER-RENDU-WEBER DISEASE. Identifiers: Orphanet 774, MedGen C0039445, MONDO:0019180. Disease mechanism: loss of function.

Allele frequency attached by ClinVar (database versions not stated): gnomAD 0.00001; TOPMed below 0.00001; ExAC 0.00003; gnomAD exomes 0.00001 and 0.00002.

Submission:

Labcorp Genetics (formerly Invitae), Labcorp
Classification: Uncertain significance for Hereditary hemorrhagic telangiectasia. Last evaluated: 2020-03-07. Review status: criteria provided, single submitter. Criteria: Invitae Variant Classification Sherloc (09022015). Collection method: clinical testing. Allele origin: germline.
Comment: This sequence change replaces glycine with arginine at codon 470 of the ENG protein (p.Gly470Arg). The glycine residue is highly conserved and there is a moderate physicochemical difference between glycine and arginine. This variant is present in population databases (rs756263325, ExAC 0.006%). This variant has been observed in individual(s) with bone marrow failure (PMID: 29146883). ClinVar contains an entry for this variant (Variation ID: 528055). Algorithms developed to predict the effect of missense changes on protein structure and function are either unavailable or do not agree on the potential impact of this missense change (SIFT: "Deleterious"; PolyPhen-2: "Probably Damaging"; Align-GVGD: "Class C0"). In summary, the available evidence is currently insufficient to determine the role of this variant in disease. Therefore, it has been classified as a Variant of Uncertain Significance.

Literature cited by the submitters: PubMed 29146883.